The following is an entry in ClinVar:

ClinVar aggregate classification (germline): Uncertain significance. Review status: criteria provided, multiple submitters, no conflicts (2 of 4 stars). 2 submissions from 2 submitters: Uncertain significance (2). Last evaluated 2024-08-19.

Conditions:
Ataxia-telangiectasia-like disorder 1 (ATLD1). Identifiers: Orphanet 251347, MedGen C4012790, MONDO:0024557, OMIM 604391.
Hereditary cancer-predisposing syndrome. Also called: Neoplastic Syndromes, Hereditary; Tumor predisposition; Hereditary neoplastic syndrome; Hereditary Cancer Syndrome. Identifiers: Orphanet 140162, MedGen C0027672, MeSH D009386, MONDO:0015356.

Allele frequency attached by ClinVar (database versions not stated): gnomAD exomes below 0.00001.
gnomAD v4.1: 4 of 1,583,426 alleles (0.00025%); highest among the groups gnomAD compares: Non-Finnish European, 0.00035%; no homozygotes.

Submissions (2):

Ambry Genetics
Classification: Uncertain significance for Hereditary cancer-predisposing syndrome. Last evaluated: 2024-08-19. Review status: criteria provided, single submitter. Criteria: Ambry Variant Classification Scheme 2023. Collection method: clinical testing. Allele origin: germline.
Comment: The p.D694N variant (also known as c.2080G>A), located in coding exon 19 of the MRE11A gene, results from a G to A substitution at nucleotide position 2080. The aspartic acid at codon 694 is replaced by asparagine, an amino acid with highly similar properties. This amino acid position is conserved. In addition, this alteration is predicted to be tolerated by in silico analysis. Based on the available evidence, the clinical significance of this variant remains unclear.

Baylor Genetics
Classification: Uncertain significance for Ataxia-telangiectasia-like disorder 1. Last evaluated: 2023-12-21. Review status: criteria provided, single submitter. Criteria: ACMG Guidelines, 2015. Collection method: clinical testing. Allele origin: unknown.

NM_005591.4(MRE11):c.2080G>A (p.Asp694Asn)

Gene: MRE11 (MRE11 double strand break repair nuclease; minus strand). Cytogenetic location: 11q21.
Variant type: single nucleotide variant.
Coding change: c.2080G>A on transcript NM_005591.4 (MANE Select); coding-DNA position 2080, G replaced by A.
Protein change: p.Asp694Asn; replaces aspartic acid 694 with asparagine.
Molecular consequence: missense variant.
Genome position (GRCh38, 1-based): chr11:94,420,172, C>T on the plus strand (G>A on the coding strand, the complement: MRE11 is on the minus strand). VCF-style: chr11-94420172-C-T. GRCh37 (hg19) VCF-style: chr11-94153338-C-T.
Other names: c.2077G>A, p.Asp693Asn (NM_001330347.2); c.1996G>A, p.Asp666Asn (NM_005590.4); short protein forms D666N, D693N, D694N.
Identifiers: ClinVar variation 3239748 (VCV003239748.2), dbSNP rs1554996716.